The following is an entry in ClinVar:

ClinVar aggregate classification (germline): Uncertain significance. Review status: criteria provided, multiple submitters, no conflicts (2 of 4 stars). 2 submissions from 2 submitters: Uncertain significance (2). Last evaluated 2024-04-05.

Conditions:
Epidermolysis bullosa simplex with nail dystrophy (EBS5D). Identifiers: MedGen C4225309, MONDO:0014661, OMIM 616487.
Autosomal recessive limb-girdle muscular dystrophy type 2Q (LGMDR17). Also called: MUSCULAR DYSTROPHY, LIMB-GIRDLE, AUTOSOMAL RECESSIVE 17. Identifiers: Orphanet 254361, MedGen C3150989, MONDO:0013390, OMIM 613723.
Epidermolysis bullosa simplex 5B, with muscular dystrophy (EBS5B). Also called: Epidermolysis bullosa simplex with muscular dystrophy; EPIDERMOLYSIS BULLOSA SIMPLEX AND LIMB-GIRDLE MUSCULAR DYSTROPHY. Identifiers: Orphanet 257, MedGen C2931072, MONDO:0009181, OMIM 226670.
Epidermolysis bullosa simplex, Ogna type (EBS5A). Also called: Pidermolysis bullosa simplex 5A, Ogna type; EPIDERMOLYSIS BULLOSA SIMPLEX 5A, OGNA TYPE. Identifiers: Orphanet 79401, MedGen C0432317, MONDO:0007555, OMIM 131950.
Epidermolysis bullosa simplex 5C, with pyloric atresia (EBS5C). Also called: Epidermolysis bullosa simplex with pyloric atresia; PLEC1-Related Epidermolysis Bullosa with Pyloric Atresia; PLEC-Related Epidermolysis Bullosa with Pyloric Atresia. Identifiers: Orphanet 158684, MedGen C2677349, MONDO:0012807, OMIM 612138.

Allele frequency attached by ClinVar (database versions not stated): ExAC below 0.00001; gnomAD 0.00002; gnomAD exomes 0.00002; TOPMed 0.00003.
gnomAD v4.1: 27 of 1,574,072 alleles (0.0017%); highest among the groups gnomAD compares: East Asian, 0.0046%; no homozygotes.

Submissions (2):

Labcorp Genetics (formerly Invitae), Labcorp
Classification: Uncertain significance for Autosomal recessive limb-girdle muscular dystrophy type 2Q; Epidermolysis bullosa simplex, Ogna type; Epidermolysis bullosa simplex with nail dystrophy; Epidermolysis bullosa simplex 5C, with pyloric atresia; Epidermolysis bullosa simplex 5B, with muscular dystrophy. Last evaluated: 2024-04-05. Review status: criteria provided, single submitter. Criteria: Invitae Variant Classification Sherloc (09022015). Collection method: clinical testing. Allele origin: germline.
Comment: This sequence change replaces arginine, which is basic and polar, with tryptophan, which is neutral and slightly polar, at codon 1474 of the PLEC protein (p.Arg1474Trp). This variant is not present in population databases (gnomAD no frequency). This variant has not been reported in the literature in individuals affected with PLEC-related conditions. ClinVar contains an entry for this variant (Variation ID: 423626). Experimental studies and prediction algorithms are not available or were not evaluated, and the functional significance of this variant is currently unknown. In summary, the available evidence is currently insufficient to determine the role of this variant in disease. Therefore, it has been classified as a Variant of Uncertain Significance.

GeneDx
Classification: Uncertain significance. Last evaluated: 2017-02-21. Review status: criteria provided, single submitter. Criteria: GeneDx Variant Classification (06012015). Collection method: clinical testing. Allele origin: germline. Affected: yes.
Comment: A variant of uncertain significance has been identified in the PLEC gene. The R1474W variant has not been published as a pathogenic variant, nor has it been reported as a benign variant to our knowledge. The R1474W variant is not observed in large population cohorts (Lek et al., 2016; 1000 Genomes Consortium et al., 2015; Exome Variant Server). The R1474W variant is a non-conservative amino acid substitution, which is likely to impact secondary protein structure as these residues differ in polarity, charge, size and/or other properties. This substitution occurs at a position that is conserved across species, and in silico analysis predicts this variant is probably damaging to the protein structure/function. However, missense variants in nearby residues have not been reported in the Human Gene Mutation Database in association with PLEC-related disorders (Stenson et al., 2014). Therefore, based on the currently available information, it is unclear whether this variant is a pathogenic variant or a rare benign variant.

NM_201384.3(PLEC):c.4339C>T (p.Arg1447Trp)

Gene: PLEC (plectin; minus strand). Cytogenetic location: 8q24.3.
Variant type: single nucleotide variant.
Coding change: c.4339C>T on transcript NM_201384.3 (MANE Select); coding-DNA position 4339, C replaced by T.
Protein change: p.Arg1447Trp; replaces arginine 1447 with tryptophan.
Molecular consequence: missense variant.
Genome position (GRCh38, 1-based): chr8:143,925,590, G>A on the plus strand (C>T on the coding strand, the complement: PLEC is on the minus strand). VCF-style: chr8-143925590-G-A. GRCh37 (hg19) VCF-style: chr8-144999758-G-A.
Other names: c.4420C>T, p.Arg1474Trp (NM_000445.5); c.4297C>T, p.Arg1433Trp (NM_201378.4); c.4273C>T, p.Arg1425Trp (NM_201379.3); c.4750C>T, p.Arg1584Trp (NM_201380.4); c.4243C>T, p.Arg1415Trp (NM_201381.3); c.4339C>T, p.Arg1447Trp (NM_201382.4); c.4351C>T, p.Arg1451Trp (NM_201383.3); short protein forms R1415W, R1425W, R1433W, R1447W, R1451W, R1474W, R1584W.
Identifiers: ClinVar variation 423626 (VCV000423626.10), dbSNP rs782057352, ClinGen allele CA4926698.
Genomic context (GRCh38, chr8:143,925,590, plus strand): 5'-GGCGCTCGGTGGCCTCCAACTGCAGGCGCACCACGCGGATCTCCTCCTCGATGCGCAGCC[G>A]GCTGCGCTCAGCCGCCTCTGCCTGCCGGGCCTTGGCCTGGATCTCCGCCTCCGAGCTCTG-3'
Protein context (NP_958786.1, residues 1437-1457): ARQAEAAERS[Arg1447Trp]LRIEEEIRVV